The following is an entry in ClinVar:

ClinVar aggregate classification (germline): Uncertain significance. Review status: criteria provided, multiple submitters, no conflicts (2 of 4 stars). 11 submissions from 10 submitters: Uncertain significance (8). 3 of the submissions do not count toward it. Last evaluated 2026-02-01.

Conditions:
FIG4-related disorder. Also called: FIG4-related disorders; FIG4-related condition.
Inborn genetic diseases. Identifiers: MedGen C0950123, MeSH D030342.
Charcot-Marie-Tooth disease. Also called: Charcot-Marie-Tooth Neuropathy; Charcot-Marie-Tooth Hereditary Neuropathy. Identifiers: Orphanet 166, MedGen C0007959, MONDO:0015626.
Charcot-Marie-Tooth disease type 4. Also called: Charcot-Marie-Tooth, Type 4; Charcot-Marie-Tooth disease, type IV. Identifiers: Orphanet 64749, MedGen C4082197, MONDO:0018995.
Amyotrophic lateral sclerosis type 11 (ALS11). Identifiers: Orphanet 803, MedGen C2675491, MONDO:0012945, OMIM 612577.
Charcot-Marie-Tooth disease type 4J (CMT4J). Also called: Charcot-Marie-Tooth Neuropathy Type 4J; CHARCOT-MARIE-TOOTH DISEASE, AUTOSOMAL RECESSIVE, TYPE 4J; CHARCOT-MARIE-TOOTH DISEASE, DEMYELINATING, TYPE 4J. Identifiers: Orphanet 139515, MedGen C1970011, MONDO:0012640, OMIM 611228.

Allele frequency attached by ClinVar (database versions not stated): gnomAD exomes 0.00006 and 0.00009; TOPMed 0.00007; gnomAD 0.00008; ExAC 0.00010; ESP Exome Variant Server 0.00015; 1000 Genomes Project 30x 0.00016; 1000 Genomes Project 0.00020.
gnomAD v4.1: 99 of 1,564,846 alleles (0.0063%); highest among the groups gnomAD compares: Non-Finnish European, 0.0074%; 1 homozygote.

Submissions (11):

CeGaT Center for Human Genetics Tuebingen
Classification: Uncertain significance. Last evaluated: 2026-02-01. Review status: criteria provided, single submitter. Criteria: CeGaT Center For Human Genetics Tuebingen Variant Classification Criteria Version 2. Collection method: clinical testing. Allele origin: germline. Affected: yes. Observed: 2 variant alleles.
Comment: FIG4: PM2

PreventionGenetics, part of Exact Sciences
Classification: Uncertain significance for FIG4-related condition. Last evaluated: 2026-01-29. Review status: criteria provided, single submitter. Criteria: ACMG Guidelines, 2015. Collection method: clinical testing. Allele origin: germline.
Comment: The FIG4 c.1940A>G variant is predicted to result in the amino acid substitution p.Tyr647Cys. This variant has been reported in the heterozygous state in at least three individuals with amyotrophic lateral sclerosis (ALS); however, one of these individuals also harbored a pathogenic c9orf72 expansion (Chow et al 2009. PubMed ID: 19118816; Krüger et al 2016. PubMed ID: 27790088; Osmanovic et al 2017. PubMed ID: 28051077). The c.1940A>G variant has also been reported in association with Charcot-Marie-Tooth disease (Table S2, DiVincenzo et al 2014. PubMed ID: 25614874). This variant is reported in 0.016% of alleles in individuals of European (non-Finnish) descent in gnomAD. At this time, the clinical significance of this variant is uncertain due to the absence of conclusive functional and genetic evidence.

Ambry Genetics
Classification: Uncertain significance for Inborn genetic diseases. Last evaluated: 2023-01-09. Review status: criteria provided, single submitter. Criteria: Ambry Variant Classification Scheme 2023. Collection method: clinical testing. Allele origin: germline.

Labcorp Genetics (formerly Invitae), Labcorp
Classification: Uncertain significance for Charcot-Marie-Tooth disease type 4. Last evaluated: 2022-09-01. Review status: criteria provided, single submitter. Criteria: Invitae Variant Classification Sherloc (09022015). Collection method: clinical testing. Allele origin: germline.
Comment: This sequence change replaces tyrosine, which is neutral and polar, with cysteine, which is neutral and slightly polar, at codon 647 of the FIG4 protein (p.Tyr647Cys). This variant is present in population databases (rs150301327, gnomAD 0.02%). This missense change has been observed in individual(s) with amyotropic lateral sclerosis and Charcot-Marie-Tooth disease (PMID: 19118816, 25614874, 28051077). ClinVar contains an entry for this variant (Variation ID: 254671). Algorithms developed to predict the effect of missense changes on protein structure and function are either unavailable or do not agree on the potential impact of this missense change (SIFT: "Deleterious"; PolyPhen-2: "Benign"; Align-GVGD: "Class C0"). In summary, the available evidence is currently insufficient to determine the role of this variant in disease. Therefore, it has been classified as a Variant of Uncertain Significance.

Mayo Clinic Laboratories, Mayo Clinic
Classification: Uncertain significance. Last evaluated: 2021-01-19. Review status: criteria provided, single submitter. Criteria: ACMG Guidelines, 2015. Collection method: clinical testing. Allele origin: germline. Observed: 1 variant allele.

Illumina Laboratory Services, Illumina
Classification: Uncertain significance for Charcot-Marie-Tooth disease type 4J. Last evaluated: 2017-04-27. Review status: criteria provided, single submitter. Criteria: ICSL Variant Classification Criteria 13 December 2019. Collection method: clinical testing. Allele origin: germline.

Illumina Laboratory Services, Illumina
Classification: Uncertain significance for Amyotrophic lateral sclerosis type 11. Last evaluated: 2017-04-27. Review status: criteria provided, single submitter. Criteria: ICSL Variant Classification Criteria 13 December 2019. Collection method: clinical testing. Allele origin: germline.
Comment: This variant was observed as part of a predisposition screen in an ostensibly healthy population. A literature search was performed for the gene, cDNA change, and amino acid change (where applicable). Publications were found based on this search. However, the evidence from the literature, in combination with allele frequency data from public databases where available, was not sufficient to rule this variant in or out of causing disease. Therefore, this variant is classified as a variant of unknown significance.

Molecular Genetics Laboratory, London Health Sciences Centre
Classification: Uncertain significance for Charcot-Marie-Tooth disease. Review status: criteria provided, single submitter. Criteria: ACMG Guidelines, 2015. Collection method: clinical testing. Allele origin: germline. Affected: yes.

Weber Lab, Hannover Medical School
Classification: Uncertain significance for Amyotrophic lateral sclerosis type 11. Last evaluated: 2024-02-15. Review status: no assertion criteria provided. Criteria: "ACMG Guidelines, 2015". Collection method: research. Allele origin: germline. Affected: yes. Not counted in ClinVar's aggregate classification.

Inherited Neuropathy Consortium Ii, University Of Miami
Classification: Uncertain significance for Charcot-Marie-Tooth disease type 4J. Last evaluated: 2016-01-06. Review status: no assertion criteria provided. Collection method: literature only. Allele origin: germline. Affected: yes. Not counted in ClinVar's aggregate classification.

Suna and Inan Kirac Foundation Neurodegeneration Research Laboratory, Koc University
Classification: Likely benign. Last evaluated: 2020-03-31. Review status: flagged submission. Criteria: ACMG Guidelines, 2015. Collection method: research. Allele origin: germline. Affected: no. Observed: 1 variant allele. Not counted in ClinVar's aggregate classification.
ClinVar note: Reason: Outlier claim with insufficient supporting evidence

Literature cited by the submitters: PubMed 25614874 (cited by Ambry Genetics and Labcorp Genetics (formerly Invitae), Labcorp); PubMed 19118816 (cited by 3 submitters); PubMed 28051077 (cited by Labcorp Genetics (formerly Invitae), Labcorp and Weber Lab, Hannover Medical School).

NM_014845.6(FIG4):c.1940A>G (p.Tyr647Cys)

Gene: FIG4 (FIG4 phosphoinositide 5-phosphatase; plus strand). Cytogenetic location: 6q21.
Variant type: single nucleotide variant.
Coding change: c.1940A>G on transcript NM_014845.6 (MANE Select); coding-DNA position 1940, A replaced by G.
Protein change: p.Tyr647Cys; replaces tyrosine 647 with cysteine.
Molecular consequence: missense variant.
Genome position (GRCh38, 1-based): chr6:109,785,020, A>G. VCF-style: chr6-109785020-A-G. GRCh37 (hg19) VCF-style: chr6-110106223-A-G.
Other names: short protein forms Y647C.
Identifiers: ClinVar variation 254671 (VCV000254671.46), dbSNP rs150301327, ClinGen allele CA3956233.